The following is an entry in ClinVar:

ClinVar aggregate classification (germline): Pathogenic/Likely pathogenic. Review status: criteria provided, multiple submitters, no conflicts (2 of 4 stars). 2 submissions from 2 submitters: Pathogenic (1); Likely pathogenic (1). Last evaluated 2023-02-03.

Conditions:
LMX1B-related disorder. Also called: LMX1B-related condition.

gnomAD v4.1: 1 of 1,610,034 alleles (0.000062%); highest among the groups gnomAD compares: Non-Finnish European, 0.000085%; no homozygotes.

Submissions (2):

Blueprint Genetics
Classification: Likely pathogenic for LMX1B-related disorders. Last evaluated: 2023-02-03. Review status: criteria provided, single submitter. Criteria: ACMG Guidelines, 2015. Collection method: clinical testing. Allele origin: germline. Affected: yes. Observed: 1 variant allele.

PreventionGenetics, part of Exact Sciences
Classification: Pathogenic for LMX1B-related condition. Last evaluated: 2022-09-14. Review status: criteria provided, single submitter. Criteria: ACMG Guidelines, 2015. Collection method: clinical testing. Allele origin: germline.
Comment: The LMX1B c.221C>A variant is predicted to result in premature protein termination (p.Ser74*). This variant was reported in an individual with Nail-patella syndrome (also known as S51X in Table 1; Hamlington et al. 2001. PubMed ID: 11668639). This variant has not been reported in a large population database, indicating this variant is rare. Nonsense variants in LMX1B are expected to be pathogenic. This variant is interpreted as pathogenic.

NM_001174147.2(LMX1B):c.221C>A (p.Ser74Ter)

Gene: LMX1B (LIM homeobox transcription factor 1 beta; plus strand). Cytogenetic location: 9q33.3.
Variant type: single nucleotide variant.
Coding change: c.221C>A on transcript NM_001174147.2 (MANE Select); coding-DNA position 221, C replaced by A.
Protein change: p.Ser74Ter; replaces serine 74 with a stop codon.
Molecular consequence: nonsense.
Genome position (GRCh38, 1-based): chr9:126,615,464, C>A. VCF-style: chr9-126615464-C-A. GRCh37 (hg19) VCF-style: chr9-129377743-C-A.
Other names: c.221C>A, p.Ser74Ter (NM_001174146.2, NM_002316.4); short protein forms S74*.
Identifiers: ClinVar variation 2636986 (VCV002636986.2), dbSNP rs1835285052, ClinGen allele CA374910019.
Genomic context (GRCh38, chr9:126,615,464, plus strand): 5'-CCGTCTGCGAGGGCTGCCAGCGGCCCATCTCCGACCGCTTCCTGATGCGAGTCAACGAGT[C>A]GTCCTGGCACGAGGAGTGTTTGCAGTGCGCGGCGTGTCAGCAAGCCCTCACCACCAGCTG-3'